The following is an entry in ClinVar:

NM_018714.3(COG1):c.125A>C (p.Glu42Ala)

Genes: COG1 (component of oligomeric golgi complex 1; plus strand), LOC130061576 (ATAC-STARR-seq lymphoblastoid active region 12690; plus strand). Cytogenetic location: 17q25.1.
Variant type: single nucleotide variant.
Coding change: c.125A>C on transcript NM_018714.3 (MANE Select); coding-DNA position 125, A replaced by C.
Protein change: p.Glu42Ala; replaces glutamic acid 42 with alanine.
Molecular consequence: missense variant.
Genome position (GRCh38, 1-based): chr17:73,193,194, A>C. VCF-style: chr17-73193194-A-C. GRCh37 (hg19) VCF-style: chr17-71189333-A-C.
Other names: short protein forms E42A.
Identifiers: ClinVar variation 1957930 (VCV001957930.5), dbSNP rs1021397224, ClinGen allele CA293796959.

ClinVar aggregate classification (germline): Uncertain significance (1 of 4 stars; one submission).

Conditions:
COG1 congenital disorder of glycosylation (CDG2G). Also called: CDG IIg; CDGII/COG1 CEREBROCOSTOMANDIBULAR-LIKE SYNDROME; CONGENITAL DISORDER OF GLYCOSYLATION, TYPE IIg. Identifiers: Orphanet 263508, MedGen C2931011, MONDO:0012637, OMIM 611209.

Allele frequency attached by ClinVar (database versions not stated): TOPMed 0.00001.

Submission:

Labcorp Genetics (formerly Invitae), Labcorp
Classification: Uncertain significance for COG1 congenital disorder of glycosylation. Last evaluated: 2021-12-28. Review status: criteria provided, single submitter. Criteria: Invitae Variant Classification Sherloc (09022015). Collection method: clinical testing. Allele origin: germline.
Comment: This variant has not been reported in the literature in individuals affected with COG1-related conditions. This sequence change replaces glutamic acid, which is acidic and polar, with alanine, which is neutral and non-polar, at codon 42 of the COG1 protein (p.Glu42Ala). This variant is not present in population databases (gnomAD no frequency). Algorithms developed to predict the effect of missense changes on protein structure and function (SIFT, PolyPhen-2, Align-GVGD) all suggest that this variant is likely to be disruptive. In summary, the available evidence is currently insufficient to determine the role of this variant in disease. Therefore, it has been classified as a Variant of Uncertain Significance.